The following is an entry in ClinVar:

NM_001354768.3(NRL):c.10C>T (p.Pro4Ser)

Gene: NRL (neural retina leucine zipper; minus strand). Cytogenetic location: 14q11.2.
Variant type: single nucleotide variant.
Coding change: c.10C>T on transcript NM_001354768.3 (MANE Select); coding-DNA position 10, C replaced by T.
Protein change: p.Pro4Ser; replaces proline 4 with serine.
Molecular consequence: missense variant.
Genome position (GRCh38, 1-based): chr14:24,082,839, G>A on the plus strand (C>T on the coding strand, the complement: NRL is on the minus strand). VCF-style: chr14-24082839-G-A. GRCh37 (hg19) VCF-style: chr14-24552048-G-A.
Other names: c.10C>T, p.Pro4Ser (NM_001354769.1, NM_001354770.2, NM_006177.5); short protein forms P4S.
Identifiers: ClinVar variation 1911238 (VCV001911238.5), dbSNP rs1317207731, ClinGen allele CA389283215.

ClinVar aggregate classification (germline): Uncertain significance (1 of 4 stars; one submission).

Allele frequency attached by ClinVar (database versions not stated): gnomAD 0.00001; TOPMed 0.00001.
gnomAD v4.1: 1 of 1,612,086 alleles (0.000062%); no homozygotes.

Submission:

Labcorp Genetics (formerly Invitae), Labcorp
Classification: Uncertain significance. Last evaluated: 2025-09-15. Review status: criteria provided, single submitter. Criteria: Invitae Variant Classification Sherloc (09022015). Collection method: clinical testing. Allele origin: germline.
Comment: This sequence change replaces proline, which is neutral and non-polar, with serine, which is neutral and polar, at codon 4 of the NRL protein (p.Pro4Ser). This variant is not present in population databases (gnomAD no frequency). This variant has not been reported in the literature in individuals affected with NRL-related conditions. ClinVar contains an entry for this variant (Variation ID: 1911238). An algorithm developed to predict the effect of missense changes on protein structure and function outputs the following: PolyPhen-2: "Benign". The serine amino acid residue is found in multiple mammalian species, which suggests that this missense change does not adversely affect protein function. In summary, the available evidence is currently insufficient to determine the role of this variant in disease. Therefore, it has been classified as a Variant of Uncertain Significance.